The following is an entry in ClinVar:

ClinVar aggregate classification (germline): Uncertain significance (1 of 4 stars; one submission).

Conditions:
Galactosylceramide beta-galactosidase deficiency. Also called: Leukodystrophy, Globoid Cell; Krabbe Disease; GALACTOCEREBROSIDASE DEFICIENCY; GALC DEFICIENCY; GLOBOID CELL LEUKOENCEPHALOPATHY. Identifiers: Orphanet 487, MedGen C0023521, MONDO:0009499, OMIM 245200.

Allele frequency attached by ClinVar (database versions not stated): TOPMed 0.00001.
gnomAD v4.1: 3 of 1,579,854 alleles (0.00019%); highest among the groups gnomAD compares: African/African-American, 0.0013%; no homozygotes.

Submission:

Labcorp Genetics (formerly Invitae), Labcorp
Classification: Uncertain significance for Galactosylceramide beta-galactosidase deficiency. Last evaluated: 2023-10-19. Review status: criteria provided, single submitter. Criteria: Invitae Variant Classification Sherloc (09022015). Collection method: clinical testing. Allele origin: germline.
Comment: This sequence change replaces arginine, which is basic and polar, with histidine, which is basic and polar, at codon 26 of the GALC protein (p.Arg26His). This variant is not present in population databases (gnomAD no frequency). This variant has not been reported in the literature in individuals affected with GALC-related conditions. Advanced modeling of protein sequence and biophysical properties (such as structural, functional, and spatial information, amino acid conservation, physicochemical variation, residue mobility, and thermodynamic stability) performed at Invitae indicates that this missense variant is not expected to disrupt GALC protein function. In summary, the available evidence is currently insufficient to determine the role of this variant in disease. Therefore, it has been classified as a Variant of Uncertain Significance.

NM_000153.4(GALC):c.77G>A (p.Arg26His)

Gene: GALC (galactosylceramidase; minus strand). Cytogenetic location: 14q31.3.
Variant type: single nucleotide variant.
Coding change: c.77G>A on transcript NM_000153.4 (MANE Select); coding-DNA position 77, G replaced by A.
Protein change: p.Arg26His; replaces arginine 26 with histidine.
Molecular consequence: missense variant. On other transcripts: 5 prime UTR variant (3), non-coding transcript variant (1), intron variant (2).
Genome position (GRCh38, 1-based): chr14:87,993,088, C>T on the plus strand (G>A on the coding strand, the complement: GALC is on the minus strand). VCF-style: chr14-87993088-C-T. GRCh37 (hg19) VCF-style: chr14-88459432-C-T.
Other names: c.77G>A, p.Arg26His (NM_001201401.2); c.-194G>A (NM_001424072.1); c.-360G>A (NM_001424075.1); c.-591G>A (NM_001424077.1); c.-473+295G>A (NM_001424076.1); c.117+295G>A (NM_001201402.2); short protein forms R26H.
Identifiers: ClinVar variation 2897513 (VCV002897513.3), dbSNP rs1185056562, ClinGen allele CA390771935.